The following is an entry in ClinVar:

NM_000136.3(FANCC):c.88A>T (p.Thr30Ser)

Gene: FANCC (FA complementation group C; minus strand). Cytogenetic location: 9q22.32.
Variant type: single nucleotide variant.
Coding change: c.88A>T on transcript NM_000136.3 (MANE Select); coding-DNA position 88, A replaced by T.
Protein change: p.Thr30Ser; replaces threonine 30 with serine.
Molecular consequence: missense variant.
Genome position (GRCh38, 1-based): chr9:95,249,204, T>A on the plus strand (A>T on the coding strand, the complement: FANCC is on the minus strand). VCF-style: chr9-95249204-T-A. GRCh37 (hg19) VCF-style: chr9-98011486-T-A.
Other names: c.88A>T, p.Thr30Ser (NM_001243743.2, NM_001243744.2); short protein forms T30S.
Identifiers: ClinVar variation 1765035 (VCV001765035.2), dbSNP rs778115754, ClinGen allele CA5137839.
Genomic context (GRCh38, chr9:95,249,204, plus strand): 5'-CATACATCTTCCTTAGGAACTCCTGGAACTGAGCCACGTGAAGACAGGTGTCTTGCTGGG[T>A]TTCCAAAGTGGAAGCCTGATCCCATACAGAAAGCTTCTGCATCCAAAACTGATAATCACA-3'
Protein context (NP_000127.2, residues 20-40): SVWDQASTLE[Thr30Ser]QQDTCLHVAQ

ClinVar aggregate classification (germline): Uncertain significance (1 of 4 stars; one submission).

Conditions:
Hereditary cancer-predisposing syndrome. Also called: Neoplastic Syndromes, Hereditary; Tumor predisposition; Hereditary Cancer Syndrome; Hereditary neoplastic syndrome. Identifiers: Orphanet 140162, MedGen C0027672, MeSH D009386, MONDO:0015356.

Allele frequency attached by ClinVar (database versions not stated): gnomAD exomes below 0.00001; ExAC 0.00001.
gnomAD v4.1: 1 of 1,614,092 alleles (0.000062%); highest among the groups gnomAD compares: South Asian, 0.0011%; no homozygotes.

Submission:

Ambry Genetics
Classification: Uncertain significance for Hereditary cancer-predisposing syndrome. Last evaluated: 2022-06-13. Review status: criteria provided, single submitter. Criteria: Ambry Variant Classification Scheme 2023. Collection method: clinical testing. Allele origin: germline.
Comment: The p.T30S variant (also known as c.88A>T), located in coding exon 1 of the FANCC gene, results from an A to T substitution at nucleotide position 88. The threonine at codon 30 is replaced by serine, an amino acid with similar properties. This amino acid position is conserved. In addition, this alteration is predicted to be tolerated by in silico analysis. Since supporting evidence is limited at this time, the clinical significance of this alteration remains unclear.